The following is an entry in ClinVar:

NM_000053.4(ATP7B):c.1517T>C (p.Ile506Thr)

Gene: ATP7B (ATPase copper transporting beta; minus strand). Cytogenetic location: 13q14.3.
Variant type: single nucleotide variant.
Coding change: c.1517T>C on transcript NM_000053.4 (MANE Select); coding-DNA position 1517, T replaced by C.
Protein change: p.Ile506Thr; replaces isoleucine 506 with threonine.
Molecular consequence: missense variant. On other transcripts: intron variant (1).
Genome position (GRCh38, 1-based): chr13:51,970,518, A>G on the plus strand (T>C on the coding strand, the complement: ATP7B is on the minus strand). VCF-style: chr13-51970518-A-G. GRCh37 (hg19) VCF-style: chr13-52544654-A-G.
Other names: c.1517T>C, p.Ile506Thr (NM_001005918.3, NM_001330578.2, NM_001330579.2 and 28 more transcripts); c.1184T>C, p.Ile395Thr (NM_001243182.2); c.1421T>C, p.Ile474Thr (NM_001406517.1, NM_001406518.1, NM_001406530.1 and 3 more transcripts); c.1088T>C, p.Ile363Thr (NM_001406539.1); c.1285+3417T>C (NM_001406548.1); short protein forms I395T, I363T, I506T, I474T.
Identifiers: ClinVar variation 4992179 (VCV004992179.1).

ClinVar aggregate classification (germline): Uncertain significance (1 of 4 stars; one submission).

Conditions:
ATP7B-related disorder. Also called: ATP7B-related condition.

Submission:

PreventionGenetics, part of Exact Sciences
Classification: Uncertain significance for ATP7B-related condition. Last evaluated: 2026-09-22. Review status: criteria provided, single submitter. Criteria: ACMG Guidelines, 2015. Collection method: clinical testing. Allele origin: germline.
Comment: The ATP7B c.1517T>C variant is predicted to result in the amino acid substitution p.Ile506Thr. To our knowledge, this variant has not been reported in the literature or in a large population database (gnomAD), indicating this variant is rare. Although we suspect that this variant may be pathogenic, at this time, the clinical significance of this variant is uncertain due to the absence of conclusive functional and genetic evidence.